The following is an entry in ClinVar:

ClinVar aggregate classification (germline): Likely benign (1 of 4 stars; one submission).

Conditions:
Lessel-Kreienkamp syndrome. Identifiers: MedGen C5436892, MONDO:0030897, OMIM 619149.

gnomAD v4.1: 2 of 1,614,014 alleles (0.00012%); highest among the groups gnomAD compares: Non-Finnish European, 0.00017%; no homozygotes.

Submission:

Centre for Medical Genetics,  Mumbai
Classification: Likely benign for Lessel-Kreienkamp syndrome. Last evaluated: 2026-01-15. Review status: criteria provided, single submitter. Criteria: ACMG Guidelines, 2015. Collection method: provider interpretation. Allele origin: germline. Inheritance: Autosomal dominant inheritance. Affected: no. Observed: 1 variant allele, 1 heterozygote.
Comment: The variant satisfies PM2 criteria; Extremely low frequency in gnomAD population databases. The variant satisfies PP3 criteria; For a missense or a splicing region variant, computational prediction tools unanimously support a deleterious effect on the gene. However, the variant satisfies BS2 criteria.

Literature cited by the submitters: PubMed 33199684.

NM_012154.5(AGO2):c.655+5G>A

Genes: AGO2 (argonaute RISC catalytic component 2; minus strand), LOC126860545 (MED14-independent group 3 enhancer GRCh37_chr8:141569579-141570778; plus strand). Cytogenetic location: 8q24.3.
Variant type: single nucleotide variant.
Coding change: c.655+5G>A on transcript NM_012154.5 (MANE Select); 5 bases into the intron after coding-DNA position 655, G replaced by A.
Molecular consequence: intron variant.
Genome position (GRCh38, 1-based): chr8:140,560,369, C>T on the plus strand (G>A on the coding strand, the complement: AGO2 is on the minus strand). VCF-style: chr8-140560369-C-T. GRCh37 (hg19) VCF-style: chr8-141570468-C-T.
Other names: c.655+5G>A (NM_001164623.3).
Identifiers: ClinVar variation 4819563 (VCV004819563.1).